The following is an entry in ClinVar:

ClinVar aggregate classification (germline): Pathogenic (1 of 4 stars; one submission).

Submission:

Labcorp Genetics (formerly Invitae), Labcorp
Classification: Pathogenic. Last evaluated: 2024-12-04. Review status: criteria provided, single submitter. Criteria: Invitae Variant Classification Sherloc (09022015). Collection method: clinical testing. Allele origin: germline.
Comment: This sequence change creates a premature translational stop signal (p.Tyr747Thrfs*20) in the LZTR1 gene. It is expected to result in an absent or disrupted protein product. Loss-of-function variants in LZTR1 are known to be pathogenic (PMID: 24362817, 25335493, 25480913, 25795793, 29469822, 30368668, 30442762, 30442766, 30481304, 30859559). This variant is not present in population databases (gnomAD no frequency). This variant has not been reported in the literature in individuals affected with LZTR1-related conditions. For these reasons, this variant has been classified as Pathogenic.

Literature cited by the submitters: PubMed 24362817; PubMed 25335493; PubMed 25480913; PubMed 25795793; PubMed 29469822; PubMed 30368668; PubMed 30442762; PubMed 30442766; PubMed 30481304; PubMed 30859559.

NM_006767.4(LZTR1):c.2239del (p.Tyr747fs)

Gene: LZTR1 (leucine zipper like post translational regulator 1; plus strand). Cytogenetic location: 22q11.21.
Variant type: Deletion.
Coding change: c.2239del on transcript NM_006767.4 (MANE Select); coding-DNA position 2239, one base deleted (T; older notation c.2239delT).
Protein change: p.Tyr747fs; shifts the reading frame from tyrosine 747.
Molecular consequence: frameshift variant.
Genome position (GRCh38, 1-based): chr22:20,996,715, T deleted. VCF-style (leftmost placement, unchanged base first): chr22-20996714-CT-C. GRCh37 (hg19) VCF-style: chr22-21351003-CT-C.
Other names: short protein forms Y747fs.
Identifiers: ClinVar variation 3718590 (VCV003718590.2).